The following is an entry in ClinVar:

NM_007327.4(GRIN1):c.2805T>A (p.His935Gln)

Gene: GRIN1 (glutamate ionotropic receptor NMDA type subunit 1; plus strand). Cytogenetic location: 9q34.3.
Variant type: single nucleotide variant.
Coding change: c.2805T>A on transcript NM_007327.4 (MANE Select); coding-DNA position 2805, T replaced by A.
Protein change: p.His935Gln; replaces histidine 935 with glutamine.
Molecular consequence: missense variant. On other transcripts: intron variant (3).
Genome position (GRCh38, 1-based): chr9:137,167,515, T>A. VCF-style: chr9-137167515-T-A. GRCh37 (hg19) VCF-style: chr9-140061967-T-A.
Other names: c.2694T>A, p.His898Gln (NM_021569.4); c.2764-259T>A (NM_001185090.2); c.2653-259T>A (NM_001185091.2); c.2590-259T>A (NM_000832.7); short protein forms H935Q, H898Q.
Identifiers: ClinVar variation 958578 (VCV000958578.12), dbSNP rs1262184514, ClinGen allele CA375730114.
Genomic context (GRCh38, chr9:137,167,515, plus strand): 5'-AGTGCTGCCGCGACGCGCTATTGAGAGGGAGGAGGGCCAGCTGCAGCTGTGTTCCCGTCA[T>A]AGGGAGAGCTGAGACTCCCCGCCCGCCCTCCTCTGCCCCCTCCCCCGCAGACAGACAGAC-3'
Protein context (NP_015566.1, residues 925-938): EEGQLQLCSR[His935Gln]RES

ClinVar aggregate classification (germline): Uncertain significance. Review status: criteria provided, multiple submitters, no conflicts (2 of 4 stars). 2 submissions from 2 submitters: Uncertain significance (2). Last evaluated 2025-07-06.

Conditions:
Inborn genetic diseases. Identifiers: MedGen C0950123, MeSH D030342.
Neurodevelopmental disorder with or without hyperkinetic movements and seizures, autosomal dominant. Also called: Intellectual disability, autosomal dominant 8. Identifiers: MedGen C3280282, MONDO:0013655, OMIM 614254.

Allele frequency attached by ClinVar (database versions not stated): gnomAD exomes below 0.00001; TOPMed below 0.00001.
gnomAD v4.1: 1 of 1,552,256 alleles (0.000064%); highest among the groups gnomAD compares: Non-Finnish European, 0.000087%; no homozygotes.

Submissions (2):

Labcorp Genetics (formerly Invitae), Labcorp
Classification: Uncertain significance for Neurodevelopmental disorder with or without hyperkinetic movements and seizures, autosomal dominant. Last evaluated: 2025-07-06. Review status: criteria provided, single submitter. Criteria: Invitae Variant Classification Sherloc (09022015). Collection method: clinical testing. Allele origin: germline.
Comment: This sequence change replaces histidine, which is basic and polar, with glutamine, which is neutral and polar, at codon 935 of the GRIN1 protein (p.His935Gln). This variant is not present in population databases (gnomAD no frequency). This variant has not been reported in the literature in individuals affected with GRIN1-related conditions. ClinVar contains an entry for this variant (Variation ID: 958578). Invitae Evidence Modeling of protein sequence and biophysical properties (such as structural, functional, and spatial information, amino acid conservation, physicochemical variation, residue mobility, and thermodynamic stability) indicates that this missense variant is expected to disrupt GRIN1 protein function with a positive predictive value of 95%. In summary, the available evidence is currently insufficient to determine the role of this variant in disease. Therefore, it has been classified as a Variant of Uncertain Significance.

Ambry Genetics
Classification: Uncertain significance for Inborn genetic diseases. Last evaluated: 2020-03-25. Review status: criteria provided, single submitter. Criteria: Ambry Variant Classification Scheme 2023. Collection method: clinical testing. Allele origin: germline.
Comment: The p.H935Q variant (also known as c.2805T>A), located in coding exon 20 of the GRIN1 gene, results from a T to A substitution at nucleotide position 2805. The histidine at codon 935 is replaced by glutamine, an amino acid with highly similar properties. This amino acid position is well conserved in available vertebrate species. In addition, this alteration is predicted to be tolerated by in silico analysis. Since supporting evidence is limited at this time, the clinical significance of this alteration remains unclear.